The following is an entry in ClinVar:

NM_018979.4(WNK1):c.128C>G (p.Ala43Gly)

Gene: WNK1 (WNK lysine deficient protein kinase 1; plus strand). Cytogenetic location: 12p13.33.
Variant type: single nucleotide variant.
Coding change: c.128C>G on transcript NM_018979.4 (MANE Select); coding-DNA position 128, C replaced by G.
Protein change: p.Ala43Gly; replaces alanine 43 with glycine.
Molecular consequence: missense variant.
Genome position (GRCh38, 1-based): chr12:753,693, C>G. VCF-style: chr12-753693-C-G. GRCh37 (hg19) VCF-style: chr12-862859-C-G.
Other names: c.128C>G, p.Ala43Gly (NM_001184985.2, NM_014823.3, NM_213655.5); short protein forms A43G.
Identifiers: ClinVar variation 565458 (VCV000565458.14), dbSNP rs775564750, ClinGen allele CA6381725.

ClinVar aggregate classification (germline): Conflicting classifications of pathogenicity. Review status: criteria provided, conflicting classifications (1 of 4 stars). 3 submissions from 3 submitters: Uncertain significance (2); Likely benign (1). Last evaluated 2024-08-01.

Conditions:
Inborn genetic diseases. Identifiers: MedGen C0950123, MeSH D030342.
Neuropathy, hereditary sensory and autonomic, type 2A (HSAN2A). Also called: HSAN IIA; ACROOSTEOLYSIS, GIACCAI TYPE; ACROOSTEOLYSIS, NEUROGENIC; WNK1-Related HSAN2 (HSAN2A); MORVAN DISEASE; NEUROPATHY, CONGENITAL SENSORY. Identifiers: Orphanet 970, MedGen C2752089, MONDO:0024309, OMIM 201300.
Pseudohypoaldosteronism type 2C (PHA2C). Also called: Pseudohypoaldosteronism Type IIC. Identifiers: Orphanet 757, Orphanet 88940, MedGen C1840391, MONDO:0013778, OMIM 614492.

Allele frequency attached by ClinVar (database versions not stated): TOPMed 0.00001; ExAC 0.00002; gnomAD 0.00002; gnomAD exomes 0.00002.
gnomAD v4.1: 30 of 1,612,066 alleles (0.0019%); highest among the groups gnomAD compares: Non-Finnish European, 0.0025%; no homozygotes.

Submissions (3):

Labcorp Genetics (formerly Invitae), Labcorp
Classification: Uncertain significance for Neuropathy, hereditary sensory and autonomic, type 2A; Pseudohypoaldosteronism type 2C. Last evaluated: 2024-08-01. Review status: criteria provided, single submitter. Criteria: Invitae Variant Classification Sherloc (09022015). Collection method: clinical testing. Allele origin: germline.
Comment: This sequence change replaces alanine, which is neutral and non-polar, with glycine, which is neutral and non-polar, at codon 43 of the WNK1 protein (p.Ala43Gly). This variant is present in population databases (rs775564750, gnomAD 0.005%). This variant has not been reported in the literature in individuals affected with WNK1-related conditions. ClinVar contains an entry for this variant (Variation ID: 565458). Advanced modeling of protein sequence and biophysical properties (such as structural, functional, and spatial information, amino acid conservation, physicochemical variation, residue mobility, and thermodynamic stability) performed at Invitae indicates that this missense variant is not expected to disrupt WNK1 protein function with a negative predictive value of 95%. In summary, the available evidence is currently insufficient to determine the role of this variant in disease. Therefore, it has been classified as a Variant of Uncertain Significance.

Ambry Genetics
Classification: Uncertain significance for Inborn genetic diseases. Last evaluated: 2021-01-05. Review status: criteria provided, single submitter. Criteria: Ambry Variant Classification Scheme 2023. Collection method: clinical testing. Allele origin: germline.
Comment: The p.A43G variant (also known as c.128C>G), located in coding exon 1 of the WNK1 gene, results from a C to G substitution at nucleotide position 128. The alanine at codon 43 is replaced by glycine, an amino acid with similar properties. This amino acid position is poorly conserved in available vertebrate species. In addition, this alteration is predicted to be tolerated by in silico analysis. Since supporting evidence is limited at this time, the clinical significance of this alteration remains unclear.

Illumina Laboratory Services, Illumina
Classification: Likely benign for Pseudohypoaldosteronism type 2C. Last evaluated: 2018-01-13. Review status: criteria provided, single submitter. Criteria: ICSL Variant Classification Criteria 13 December 2019. Collection method: clinical testing. Allele origin: germline.
Comment: This variant was observed in the ICSL laboratory as part of a predisposition screen in an ostensibly healthy population. It had not been previously curated by ICSL or reported in the Human Gene Mutation Database (HGMD: prior to June 1st, 2018), and was therefore a candidate for classification through an automated scoring system. Utilizing variant allele frequency, disease prevalence and penetrance estimates, and inheritance mode, an automated score was calculated to assess if this variant is too frequent to cause the disease. Based on the score and internal cut-off values, a variant classified as likely benign is not then subjected to further curation. The score for this variant resulted in a classification of likely benign for this disease.